The following is an entry in ClinVar:

NM_000447.3(PSEN2):c.1316A>G (p.Asp439Gly)

Gene: PSEN2 (presenilin 2; plus strand). Cytogenetic location: 1q42.13.
Variant type: single nucleotide variant.
Coding change: c.1316A>G on transcript NM_000447.3 (MANE Select); coding-DNA position 1316, A replaced by G.
Protein change: p.Asp439Gly; replaces aspartic acid 439 with glycine.
Molecular consequence: missense variant.
Genome position (GRCh38, 1-based): chr1:226,895,548, A>G. VCF-style: chr1-226895548-A-G. GRCh37 (hg19) VCF-style: chr1-227083249-A-G.
Other names: c.1316A>G, p.Asp439Gly (NM_001437537.1); c.1313A>G, p.Asp438Gly (NM_012486.3); short protein forms D438G, D439G.
Identifiers: ClinVar variation 4881689 (VCV004881689.2).

ClinVar aggregate classification (germline): Uncertain significance (1 of 4 stars; one submission).

Submission:

Dasa
Classification: Uncertain significance. Last evaluated: 2025-08-11. Review status: criteria provided, single submitter. Criteria: DASA Assertion Criteria. Collection method: clinical testing. Allele origin: germline.
Comment: NM_000447.3(PSEN2):c.1316A>G (p.Asp439Gly) is a missense variant that results in the substitution of aspartic acid with glycine. This variant is absent from population databases. Computational prediction algorithms are consistent with a deleterious effect. The currently available literature and clinical evidence are not sufficient to establish a definitive association between this variant and the reported condition. Therefore, this variant is classified as a variant of uncertain significance.